The following is an entry in ClinVar:

NM_000321.3(RB1):c.138G>A (p.Arg46=)

Gene: RB1 (RB transcriptional corepressor 1; plus strand). Cytogenetic location: 13q14.2.
Variant type: single nucleotide variant.
Coding change: c.138G>A on transcript NM_000321.3 (MANE Select); coding-DNA position 138, G replaced by A.
Protein change: p.Arg46=; no amino-acid change (arginine 46 retained).
Molecular consequence: synonymous variant.
Genome position (GRCh38, 1-based): chr13:48,307,280, G>A. VCF-style: chr13-48307280-G-A. GRCh37 (hg19) VCF-style: chr13-48881416-G-A.
Other names: c.138G>A, p.Arg46= (NM_001407165.1, NM_001407166.1, NM_001407167.1).
Identifiers: ClinVar variation 3675743 (VCV003675743.2).

ClinVar aggregate classification (germline): Uncertain significance (1 of 4 stars; one submission).

Conditions:
Retinoblastoma (RB1). Also called: RETINOBLASTOMA, SOMATIC. Identifiers: Orphanet 790, MedGen C0035335, MeSH D012175, MONDO:0008380, OMIM 180200, HP:0009919. Disease mechanism: loss of function. Inheritance: Both sporadic and heritable forms are tested..

Submission:

Labcorp Genetics (formerly Invitae), Labcorp
Classification: Uncertain significance for Retinoblastoma. Last evaluated: 2024-12-31. Review status: criteria provided, single submitter. Criteria: Invitae Variant Classification Sherloc (09022015). Collection method: clinical testing. Allele origin: germline.
Comment: This sequence change affects codon 46 of the RB1 mRNA. It is a 'silent' change, meaning that it does not change the encoded amino acid sequence of the RB1 protein. It affects a nucleotide within the consensus splice site. This variant is not present in population databases (gnomAD no frequency). This variant has not been reported in the literature in individuals affected with RB1-related conditions. Algorithms developed to predict the effect of sequence changes on RNA splicing suggest that this variant is not likely to affect RNA splicing. In summary, the available evidence is currently insufficient to determine the role of this variant in disease. Therefore, it has been classified as a Variant of Uncertain Significance.